The following is an entry in ClinVar:

NM_001369.3(DNAH5):c.*649G>C

Gene: DNAH5 (dynein axonemal heavy chain 5; minus strand). Cytogenetic location: 5p15.2.
Variant type: single nucleotide variant.
Coding change: c.*649G>C on transcript NM_001369.3 (MANE Select); 649 bases downstream of the stop codon, G replaced by C.
Molecular consequence: 3 prime UTR variant.
Genome position (GRCh38, 1-based): chr5:13,691,335, C>G on the plus strand (G>C on the coding strand, the complement: DNAH5 is on the minus strand). VCF-style: chr5-13691335-C-G. GRCh37 (hg19) VCF-style: chr5-13691444-C-G.
Identifiers: ClinVar variation 350912 (VCV000350912.5), dbSNP rs77289648, ClinGen allele CA10622627.

ClinVar aggregate classification (germline): Benign (1 of 4 stars; one submission).

Conditions:
Primary ciliary dyskinesia 3. Identifiers: Orphanet 244, MedGen C1837618, MONDO:0012085, OMIM 608644.

Allele frequency attached by ClinVar (database versions not stated): gnomAD 0.02130 and 0.02281; TOPMed 0.02359; 1000 Genomes Project 0.02616; 1000 Genomes Project 30x 0.02748.

Submission:

Illumina Laboratory Services, Illumina
Classification: Benign for Primary ciliary dyskinesia 3. Last evaluated: 2018-01-12. Review status: criteria provided, single submitter. Criteria: ICSL Variant Classification Criteria 13 December 2019. Collection method: clinical testing. Allele origin: germline.
Comment: This variant was observed in the ICSL laboratory as part of a predisposition screen in an ostensibly healthy population. It had not been previously curated by ICSL or reported in the Human Gene Mutation Database (HGMD: prior to June 1st, 2018), and was therefore a candidate for classification through an automated scoring system. Utilizing variant allele frequency, disease prevalence and penetrance estimates, and inheritance mode, an automated score was calculated to assess if this variant is too frequent to cause the disease. Based on the score and internal cut-off values, a variant classified as benign is not then subjected to further curation. The score for this variant resulted in a classification of benign for this disease.